The following is an entry in ClinVar:

NM_145020.5(CFAP53):c.413A>C (p.Lys138Thr)

Gene: CFAP53 (cilia and flagella associated protein 53; minus strand). Cytogenetic location: 18q21.1.
Variant type: single nucleotide variant.
Coding change: c.413A>C on transcript NM_145020.5 (MANE Select); coding-DNA position 413, A replaced by C.
Protein change: p.Lys138Thr; replaces lysine 138 with threonine.
Molecular consequence: missense variant.
Genome position (GRCh38, 1-based): chr18:50,261,124, T>G on the plus strand (A>C on the coding strand, the complement: CFAP53 is on the minus strand). VCF-style: chr18-50261124-T-G. GRCh37 (hg19) VCF-style: chr18-47787494-T-G.
Other names: short protein forms K138T.
Identifiers: ClinVar variation 1516204 (VCV001516204.6), dbSNP rs2144435422, ClinGen allele CA402443670.

ClinVar aggregate classification (germline): Uncertain significance (1 of 4 stars; one submission).

Conditions:
Heterotaxy, visceral, 6, autosomal (HTX6). Also called: Heterotaxy, visceral, 6, autosomal recessive. Identifiers: Orphanet 450, MedGen C3553676, MONDO:0013887, OMIM 614779.

Submission:

Labcorp Genetics (formerly Invitae), Labcorp
Classification: Uncertain significance for Heterotaxy, visceral, 6, autosomal. Last evaluated: 2021-03-12. Review status: criteria provided, single submitter. Criteria: Invitae Variant Classification Sherloc (09022015). Collection method: clinical testing. Allele origin: germline.
Comment: This sequence change replaces lysine with threonine at codon 138 of the CFAP53 protein (p.Lys138Thr). The lysine residue is moderately conserved and there is a moderate physicochemical difference between lysine and threonine. This variant is not present in population databases (ExAC no frequency). This variant has not been reported in the literature in individuals with CFAP53-related conditions. Algorithms developed to predict the effect of missense changes on protein structure and function are either unavailable or do not agree on the potential impact of this missense change (SIFT: "Not Available"; PolyPhen-2: "Possibly Damaging"; Align-GVGD: "Not Available"). In summary, the available evidence is currently insufficient to determine the role of this variant in disease. Therefore, it has been classified as a Variant of Uncertain Significance.